The following is an entry in ClinVar:

NM_019594.4(LRRC8A):c.1476_1477delinsCT (p.Glu493Ter)

Gene: LRRC8A (leucine rich repeat containing 8 VRAC subunit A; plus strand). Cytogenetic location: 9q34.11.
Variant type: Indel.
Coding change: c.1476_1477delinsCT on transcript NM_019594.4 (MANE Select); coding-DNA positions 1476 to 1477, TG replaced by CT.
Protein change: p.Glu493Ter; replaces glutamic acid 493 with a stop codon.
Molecular consequence: nonsense.
Genome position (GRCh38, 1-based): chr9:128,908,640-128,908,641, TG replaced by CT. VCF-style: chr9-128908640-TG-CT. GRCh37 (hg19) VCF-style: chr9-131670919-TG-CT.
Other names: c.1476_1477delinsCT, p.Glu493Ter (NM_001127244.2, NM_001127245.2); short protein forms E493*.
Identifiers: ClinVar variation 3693003 (VCV003693003.2).

ClinVar aggregate classification (germline): Uncertain significance (1 of 4 stars; one submission).

Submission:

Labcorp Genetics (formerly Invitae), Labcorp
Classification: Uncertain significance. Last evaluated: 2024-09-09. Review status: criteria provided, single submitter. Criteria: Invitae Variant Classification Sherloc (09022015). Collection method: clinical testing. Allele origin: germline.
Comment: This sequence change creates a premature translational stop signal (p.Glu493*) in the LRRC8A gene. It is expected to result in an absent or disrupted protein product. However, the current clinical and genetic evidence is not sufficient to establish whether loss-of-function variants in LRRC8A cause disease. This variant is not present in population databases (gnomAD no frequency). This variant has not been reported in the literature in individuals affected with LRRC8A-related conditions. In summary, the available evidence is currently insufficient to determine the role of this variant in disease. Therefore, it has been classified as a Variant of Uncertain Significance.